The following is an entry in ClinVar:

ClinVar aggregate classification (germline): Benign. Review status: criteria provided, multiple submitters, no conflicts (2 of 4 stars). 5 submissions from 5 submitters: Benign (5). Last evaluated 2026-02-03.

Conditions:
Dent disease type 1 (DENT1). Also called: NEPHROLITHIASIS 2; NEPHROLITHIASIS, HYPERCALCIURIC, X-LINKED. Identifiers: Orphanet 1652, Orphanet 93622, MedGen C1848336, MONDO:0010225, OMIM 300009.

Allele frequency attached by ClinVar (database versions not stated): gnomAD exomes 0.01217 and 0.00414; ExAC 0.01523; 1000 Genomes Project 0.04106; 1000 Genomes Project 30x 0.04204; gnomAD 0.04229 and 0.04506; TOPMed 0.04942; ESP Exome Variant Server 0.05425.
gnomAD v4.1: 9,436 of 1,208,466 alleles (0.78%); highest among the groups gnomAD compares: African/African-American, 15%; 512 homozygotes.

Submissions (5):

Labcorp Genetics (formerly Invitae), Labcorp
Classification: Benign. Last evaluated: 2026-02-03. Review status: criteria provided, single submitter. Criteria: Invitae Variant Classification Sherloc (09022015). Collection method: clinical testing. Allele origin: germline.

Mayo Clinic Laboratories, Mayo Clinic
Classification: Benign. Last evaluated: 2023-04-10. Review status: criteria provided, single submitter. Criteria: ACMG Guidelines, 2015. Collection method: clinical testing. Allele origin: germline. Observed: 13 variant alleles.

GeneDx
Classification: Benign. Last evaluated: 2020-03-16. Review status: criteria provided, single submitter. Criteria: GeneDx Variant Classification Process June 2021. Collection method: clinical testing. Allele origin: germline. Affected: yes.

Illumina Laboratory Services, Illumina
Classification: Benign for Dent disease type 1. Last evaluated: 2018-01-12. Review status: criteria provided, single submitter. Criteria: ICSL Variant Classification Criteria 13 December 2019. Collection method: clinical testing. Allele origin: germline.
Comment: This variant was observed in the ICSL laboratory as part of a predisposition screen in an ostensibly healthy population. It had not been previously curated by ICSL or reported in the Human Gene Mutation Database (HGMD: prior to June 1st, 2018), and was therefore a candidate for classification through an automated scoring system. Utilizing variant allele frequency, disease prevalence and penetrance estimates, and inheritance mode, an automated score was calculated to assess if this variant is too frequent to cause the disease. Based on the score and internal cut-off values, a variant classified as benign is not then subjected to further curation. The score for this variant resulted in a classification of benign for this disease.

Breakthrough Genomics
Classification: Benign. Review status: criteria provided, single submitter. Criteria: ACMG Guidelines, 2015. Collection method: not provided. Allele origin: germline. Inheritance: X-linked inheritance. Affected: yes.

NM_001127898.4(CLCN5):c.1203G>C (p.Leu401=)

Gene: CLCN5 (Cl-/H+ antiporter 5; plus strand). Cytogenetic location: Xp11.23.
Variant type: single nucleotide variant.
Coding change: c.1203G>C on transcript NM_001127898.4 (MANE Select); coding-DNA position 1203, G replaced by C.
Protein change: p.Leu401=; no amino-acid change (leucine 401 retained).
Molecular consequence: synonymous variant.
Genome position (GRCh38, 1-based): chrX:50,086,516, G>C. VCF-style: chrX-50086516-G-C. GRCh37 (hg19) VCF-style: chrX-49851173-G-C.
Other names: p.Leu331=; c.993G>C, p.Leu331= (NM_000084.5); c.1203G>C, p.Leu401= (NM_001127899.4); c.1053G>C, p.Leu351= (NM_001282163.2).
Identifiers: ClinVar variation 368478 (VCV000368478.18), dbSNP rs34122840, ClinGen allele CA10413846.